The following is an entry in ClinVar:

ClinVar aggregate classification (germline): Uncertain significance (1 of 4 stars; one submission).

Conditions:
EGFR-related lung cancer (EGFR). Identifiers: MedGen CN130014.

Submission:

Labcorp Genetics (formerly Invitae), Labcorp
Classification: Uncertain significance for EGFR-related lung cancer. Last evaluated: 2023-04-22. Review status: criteria provided, single submitter. Criteria: Invitae Variant Classification Sherloc (09022015). Collection method: clinical testing. Allele origin: germline.
Comment: This variant has not been reported in the literature in individuals affected with EGFR-related conditions. An algorithm developed to predict the effect of missense changes on protein structure and function (PolyPhen-2) suggests that this variant is likely to be tolerated. In summary, the available evidence is currently insufficient to determine the role of this variant in disease. Therefore, it has been classified as a Variant of Uncertain Significance. This sequence change replaces asparagine, which is neutral and polar, with isoleucine, which is neutral and non-polar, at codon 1044 of the EGFR protein (p.Asn1044Ile). This variant is not present in population databases (gnomAD no frequency).

NM_005228.5(EGFR):c.3131A>T (p.Asn1044Ile)

Gene: EGFR (epidermal growth factor receptor; plus strand). Cytogenetic location: 7p11.2.
Variant type: single nucleotide variant.
Coding change: c.3131A>T on transcript NM_005228.5 (MANE Select); coding-DNA position 3131, A replaced by T.
Protein change: p.Asn1044Ile; replaces asparagine 1044 with isoleucine.
Molecular consequence: missense variant.
Genome position (GRCh38, 1-based): chr7:55,201,751, A>T. VCF-style: chr7-55201751-A-T. GRCh37 (hg19) VCF-style: chr7-55269444-A-T.
Other names: c.2996A>T, p.Asn999Ile (NM_001346897.2, NM_001346899.2); c.3131A>T, p.Asn1044Ile (NM_001346898.2); c.2972A>T, p.Asn991Ile (NM_001346900.2); c.2330A>T, p.Asn777Ile (NM_001346941.2); short protein forms N1044I, N777I, N999I, N991I.
Identifiers: ClinVar variation 2853592 (VCV002853592.3), dbSNP rs2128972505, ClinGen allele CA367582924.